The following is an entry in ClinVar:

ClinVar aggregate classification (germline): Uncertain significance. Review status: criteria provided, multiple submitters, no conflicts (2 of 4 stars). 3 submissions from 3 submitters: Uncertain significance (3). Last evaluated 2025-11-10.

Conditions:
Tumor predisposition syndrome 3 (TPDS3). Also called: LONG TELOMERE SYNDROME, POT1-RELATED; POT1 Tumor Predisposition; Melanoma, cutaneous malignant, susceptibility to, 10; Glioma susceptibility 9. Identifiers: Orphanet 618, MedGen C4014476, MONDO:0014368, OMIM 615848.
Hereditary cancer-predisposing syndrome. Also called: Neoplastic Syndromes, Hereditary; Tumor predisposition; Hereditary neoplastic syndrome; Hereditary Cancer Syndrome. Identifiers: Orphanet 140162, MedGen C0027672, MeSH D009386, MONDO:0015356.

Allele frequency attached by ClinVar (database versions not stated): gnomAD exomes below 0.00001; TOPMed below 0.00001; ExAC 0.00001; gnomAD 0.00001.
gnomAD v4.1: 4 of 1,610,004 alleles (0.00025%); highest among the groups gnomAD compares: Admixed American, 0.0017%; no homozygotes.

Submissions (3):

Dasa
Classification: Uncertain significance. Last evaluated: 2025-11-10. Review status: criteria provided, single submitter. Criteria: DASA Assertion Criteria. Collection method: clinical testing. Allele origin: germline.
Comment: NM_015450.3(POT1):c.889T>G (p.Leu297Val) is a missense variant that results in the substitution of leucine with valine. This variant is rare in population databases. Computational prediction algorithms are consistent with a benign effect. The currently available literature and clinical evidence are not sufficient to establish a definitive association between this variant and the reported condition. Therefore, this variant is classified as a variant of uncertain significance.

Labcorp Genetics (formerly Invitae), Labcorp
Classification: Uncertain significance for Tumor predisposition syndrome 3. Last evaluated: 2025-10-13. Review status: criteria provided, single submitter. Criteria: Invitae Variant Classification Sherloc (09022015). Collection method: clinical testing. Allele origin: germline.
Comment: This sequence change replaces leucine, which is neutral and non-polar, with valine, which is neutral and non-polar, at codon 297 of the POT1 protein (p.Leu297Val). This variant is present in population databases (rs762044659, gnomAD 0.003%). This variant has not been reported in the literature in individuals affected with POT1-related conditions. ClinVar contains an entry for this variant (Variation ID: 475109). Invitae Evidence Modeling of protein sequence and biophysical properties (such as structural, functional, and spatial information, amino acid conservation, physicochemical variation, residue mobility, and thermodynamic stability) indicates that this missense variant is not expected to disrupt POT1 protein function with a negative predictive value of 80%. In summary, the available evidence is currently insufficient to determine the role of this variant in disease. Therefore, it has been classified as a Variant of Uncertain Significance.

Ambry Genetics
Classification: Uncertain significance for Hereditary cancer-predisposing syndrome. Last evaluated: 2024-09-08. Review status: criteria provided, single submitter. Criteria: Ambry Variant Classification Scheme 2023. Collection method: clinical testing. Allele origin: germline.
Comment: The p.L297V variant (also known as c.889T>G), located in coding exon 7 of the POT1 gene, results from a T to G substitution at nucleotide position 889. The leucine at codon 297 is replaced by valine, an amino acid with highly similar properties. This amino acid position is not well conserved in available vertebrate species. In addition, this alteration is predicted to be tolerated by in silico analysis. Since supporting evidence is limited at this time, the clinical significance of this alteration remains unclear.

NM_015450.3(POT1):c.889T>G (p.Leu297Val)

Gene: POT1 (protection of telomeres 1; minus strand). Cytogenetic location: 7q31.33.
Variant type: single nucleotide variant.
Coding change: c.889T>G on transcript NM_015450.3 (MANE Select); coding-DNA position 889, T replaced by G.
Protein change: p.Leu297Val; replaces leucine 297 with valine.
Molecular consequence: missense variant. On other transcripts: non-coding transcript variant (3).
Genome position (GRCh38, 1-based): chr7:124,851,932, A>C on the plus strand (T>G on the coding strand, the complement: POT1 is on the minus strand). VCF-style: chr7-124851932-A-C. GRCh37 (hg19) VCF-style: chr7-124491986-A-C.
Other names: c.496T>G, p.Leu166Val (NM_001042594.2); short protein forms L297V, L166V.
Identifiers: ClinVar variation 475109 (VCV000475109.18), dbSNP rs762044659, ClinGen allele CA4465316.